The following is an entry in ClinVar:

NM_000051.4(ATM):c.3706T>C (p.Phe1236Leu)

Gene: ATM (ATM serine/threonine kinase; plus strand). Cytogenetic location: 11q22.3.
Variant type: single nucleotide variant.
Coding change: c.3706T>C on transcript NM_000051.4 (MANE Select); coding-DNA position 3706, T replaced by C.
Protein change: p.Phe1236Leu; replaces phenylalanine 1236 with leucine.
Molecular consequence: missense variant.
Genome position (GRCh38, 1-based): chr11:108,282,839, T>C. VCF-style: chr11-108282839-T-C. GRCh37 (hg19) VCF-style: chr11-108153566-T-C.
Other names: c.3706T>C, p.Phe1236Leu (NM_001351834.2); short protein forms F1236L.
Identifiers: ClinVar variation 3632394 (VCV003632394.2).

ClinVar aggregate classification (germline): Uncertain significance (1 of 4 stars; one submission).

Conditions:
Ataxia-telangiectasia syndrome (AT). Also called: ATAXIA-TELANGIECTASIA, COMPLEMENTATION GROUP A; ATAXIA-TELANGIECTASIA, FRESNO VARIANT; LOUIS-BAR SYNDROME; Cerebello-oculocutaneous telangiectasia; Immunodeficiency with ataxia telangiectasia; Ataxia-telangiectasia, complementation group E. Identifiers: Orphanet 100, MedGen C0004135, MONDO:0008840, OMIM 208900.

Submission:

Labcorp Genetics (formerly Invitae), Labcorp
Classification: Uncertain significance for Ataxia-telangiectasia syndrome. Last evaluated: 2024-04-15. Review status: criteria provided, single submitter. Criteria: Invitae Variant Classification Sherloc (09022015). Collection method: clinical testing. Allele origin: germline.
Comment: This sequence change replaces phenylalanine, which is neutral and non-polar, with leucine, which is neutral and non-polar, at codon 1236 of the ATM protein (p.Phe1236Leu). This variant is not present in population databases (gnomAD no frequency). This variant has not been reported in the literature in individuals affected with ATM-related conditions. An algorithm developed to predict the effect of missense changes on protein structure and function (PolyPhen-2) suggests that this variant is likely to be tolerated. In summary, the available evidence is currently insufficient to determine the role of this variant in disease. Therefore, it has been classified as a Variant of Uncertain Significance.